The following is an entry in ClinVar:

NM_001164508.2(NEB):c.5074G>A (p.Gly1692Ser)

Gene: NEB (nebulin; minus strand). Cytogenetic location: 2q23.3.
Variant type: single nucleotide variant.
Coding change: c.5074G>A on transcript NM_001164508.2 (MANE Select); coding-DNA position 5074, G replaced by A.
Protein change: p.Gly1692Ser; replaces glycine 1692 with serine.
Molecular consequence: missense variant.
Genome position (GRCh38, 1-based): chr2:151,665,497, C>T on the plus strand (G>A on the coding strand, the complement: NEB is on the minus strand). VCF-style: chr2-151665497-C-T. GRCh37 (hg19) VCF-style: chr2-152522011-C-T.
Other names: c.5074G>A, p.Gly1692Ser (NM_001164507.2, NM_001271208.2, NM_004543.5); short protein forms G1692S.
Identifiers: ClinVar variation 964706 (VCV000964706.8), dbSNP rs764638678, ClinGen allele CA1910452.
Genomic context (GRCh38, chr2:151,665,497, plus strand): 5'-TAAGAATCTCTCCTGCTTTCTTTGCCTTCTCCACCTCCAGGGACTCTATGGGCACCCAGC[C>T]GATCCCTTTCATCCAATTGGTGAAGTCAGATTTGTACAGATTCTTTACAATGAGAAAAAA-3'
Protein context (NP_001157980.2, residues 1682-1702): SDFTNWMKGI[Gly1692Ser]WVPIESLEVE

ClinVar aggregate classification (germline): Uncertain significance. Review status: criteria provided, single submitter (1 of 4 stars). 2 submissions from 2 submitters: Uncertain significance (1). 1 of the submissions does not count toward it. Last evaluated 2022-07-05.

Conditions:
Nemaline myopathy 2 (NEM2). Also called: Nemaline myopathy 2, autosomal recessive. Identifiers: MedGen C1850569, MONDO:0009725, OMIM 256030.

Allele frequency attached by ClinVar (database versions not stated): gnomAD exomes below 0.00001; TOPMed below 0.00001; ExAC 0.00001.

Submissions (2):

Labcorp Genetics (formerly Invitae), Labcorp
Classification: Uncertain significance for Nemaline myopathy 2. Last evaluated: 2022-07-05. Review status: criteria provided, single submitter. Criteria: Invitae Variant Classification Sherloc (09022015). Collection method: clinical testing. Allele origin: germline.
Comment: This sequence change replaces glycine, which is neutral and non-polar, with serine, which is neutral and polar, at codon 1692 of the NEB protein (p.Gly1692Ser). The frequency data for this variant in the population databases is considered unreliable, as metrics indicate poor data quality at this position in the gnomAD database. This variant has not been reported in the literature in individuals affected with NEB-related conditions. ClinVar contains an entry for this variant (Variation ID: 964706). Algorithms developed to predict the effect of missense changes on protein structure and function are either unavailable or do not agree on the potential impact of this missense change (SIFT: "Deleterious"; PolyPhen-2: "Not Available"; Align-GVGD: "Class C0"). In summary, the available evidence is currently insufficient to determine the role of this variant in disease. Therefore, it has been classified as a Variant of Uncertain Significance.

Natera, Inc.
Classification: Uncertain significance for Nemaline myopathy type 2. Last evaluated: 2021-06-24. Review status: no assertion criteria provided. Collection method: clinical testing. Allele origin: germline. Not counted in ClinVar's aggregate classification.